The following is an entry in ClinVar:

NM_006950.3(SYN1):c.832G>A (p.Gly278Ser)

Gene: SYN1 (synapsin I; minus strand). Cytogenetic location: Xp11.3.
Variant type: single nucleotide variant.
Coding change: c.832G>A on transcript NM_006950.3 (MANE Select); coding-DNA position 832, G replaced by A.
Protein change: p.Gly278Ser; replaces glycine 278 with serine.
Molecular consequence: missense variant.
Genome position (GRCh38, 1-based): chrX:47,577,444, C>T on the plus strand (G>A on the coding strand, the complement: SYN1 is on the minus strand). VCF-style: chrX-47577444-C-T. GRCh37 (hg19) VCF-style: chrX-47436843-C-T.
Other names: c.832G>A, p.Gly278Ser (NM_133499.2); short protein forms G278S.
Identifiers: ClinVar variation 3769714 (VCV003769714.1).
Genomic context (GRCh38, chrX:47,577,444, plus strand): 5'-GGTGTGCATTGCACAAATACACATCTACCTATGCACAGCCCAGCCAGAGACTCACCTTGC[C>T]CATCCCAGAGTGTGCGTGCCCCATCTTCACAACCACGGGGTACGTTGTACTGCTGAGCTG-3'
Protein context (NP_008881.2, residues 268-288): VKMGHAHSGM[Gly278Ser]KVKVDNQHDF

ClinVar aggregate classification (germline): Uncertain significance (1 of 4 stars; one submission).

Submission:

GeneDx
Classification: Uncertain significance. Last evaluated: 2024-09-13. Review status: criteria provided, single submitter. Criteria: GeneDx Variant Classification Process June 2021. Collection method: clinical testing. Allele origin: germline. Affected: yes.
Comment: Not observed at significant frequency in large population cohorts (gnomAD); In silico analysis supports that this missense variant has a deleterious effect on protein structure/function; Has not been previously published as pathogenic or benign to our knowledge